The following is an entry in ClinVar:

NM_032108.4(SEMA6B):c.2296G>A (p.Gly766Arg)

Gene: SEMA6B (semaphorin 6B; minus strand). Cytogenetic location: 19p13.3.
Variant type: single nucleotide variant.
Coding change: c.2296G>A on transcript NM_032108.4 (MANE Select); coding-DNA position 2296, G replaced by A.
Protein change: p.Gly766Arg; replaces glycine 766 with arginine.
Molecular consequence: missense variant.
Genome position (GRCh38, 1-based): chr19:4,543,972, C>T on the plus strand (G>A on the coding strand, the complement: SEMA6B is on the minus strand). VCF-style: chr19-4543972-C-T. GRCh37 (hg19) VCF-style: chr19-4543984-C-T.
Other names: short protein forms G766R.
Identifiers: ClinVar variation 2649067 (VCV002649067.24), dbSNP rs2512182309, ClinGen allele CA403460829.

ClinVar aggregate classification (germline): Uncertain significance (1 of 4 stars; one submission).

Submission:

CeGaT Center for Human Genetics Tuebingen
Classification: Uncertain significance. Last evaluated: 2022-09-01. Review status: criteria provided, single submitter. Criteria: CeGaT Center For Human Genetics Tuebingen Variant Classification Criteria Version 2. Collection method: clinical testing. Allele origin: germline. Affected: yes. Observed: 1 variant allele.
Comment: SEMA6B: PM2